The following is an entry in ClinVar:

NM_001378454.1(ALMS1):c.10952A>T (p.His3651Leu)

Gene: ALMS1 (ALMS1 centrosome and basal body associated protein; plus strand). Cytogenetic location: 2p13.1.
Variant type: single nucleotide variant.
Coding change: c.10952A>T on transcript NM_001378454.1 (MANE Select); coding-DNA position 10952, A replaced by T.
Protein change: p.His3651Leu; replaces histidine 3651 with leucine.
Molecular consequence: missense variant.
Genome position (GRCh38, 1-based): chr2:73,572,829, A>T. VCF-style: chr2-73572829-A-T. GRCh37 (hg19) VCF-style: chr2-73799956-A-T.
Other names: c.10955A>T, p.His3652Leu (NM_015120.4); short protein forms H3652L, H3651L.
Identifiers: ClinVar variation 1790290 (VCV001790290.2), dbSNP rs1294645835, ClinGen allele CA347286415.
Genomic context (GRCh38, chr2:73,572,829, plus strand): 5'-GTTTGGCTAAAATTCTTCAGAATCCAATCACACATTCTCTCCAGGTCTCAGAAAGTACAC[A>T]TGATGATAGCAGAGGGGAACGAAGTGTGAAGGAATGGAGTGGTAGACAACAGCAGAGAAA-3'
Protein context (NP_001365383.1, residues 3641-3661): THSLQVSEST[His3651Leu]DDSRGERSVK

ClinVar aggregate classification (germline): Uncertain significance (1 of 4 stars; one submission).

Conditions:
Cardiovascular phenotype. Identifiers: MedGen CN230736.

Allele frequency attached by ClinVar (database versions not stated): gnomAD exomes below 0.00001.
gnomAD v4.1: 1 of 1,614,124 alleles (0.000062%); highest among the groups gnomAD compares: South Asian, 0.0011%; no homozygotes.

Submission:

Ambry Genetics
Classification: Uncertain significance for Cardiovascular phenotype. Last evaluated: 2021-03-30. Review status: criteria provided, single submitter. Criteria: Ambry Variant Classification Scheme 2023. Collection method: clinical testing. Allele origin: germline.
Comment: The p.H3652L variant (also known as c.10955A>T), located in coding exon 16 of the ALMS1 gene, results from an A to T substitution at nucleotide position 10955. The histidine at codon 3652 is replaced by leucine, an amino acid with similar properties. This amino acid position is poorly conserved in available vertebrate species. In addition, this alteration is predicted to be tolerated by in silico analysis. Since supporting evidence is limited at this time, the clinical significance of this alteration remains unclear.